The following is an entry in ClinVar:

ClinVar aggregate classification (germline): Uncertain significance (1 of 4 stars; one submission).

Conditions:
Hereditary cancer-predisposing syndrome. Also called: Tumor predisposition; Hereditary neoplastic syndrome; Neoplastic Syndromes, Hereditary; Hereditary Cancer Syndrome. Identifiers: Orphanet 140162, MedGen C0027672, MeSH D009386, MONDO:0015356.

gnomAD v4.1: 2 of 1,613,920 alleles (0.00012%); highest among the groups gnomAD compares: Non-Finnish European, 0.000085%; no homozygotes.

Submission:

Ambry Genetics
Classification: Uncertain significance for Hereditary cancer-predisposing syndrome. Last evaluated: 2025-06-08. Review status: criteria provided, single submitter. Criteria: Ambry Variant Classification Scheme 2023. Collection method: clinical testing. Allele origin: germline.
Comment: The p.H452Y variant (also known as c.1354C>T), located in coding exon 13 of the FANCC gene, results from a C to T substitution at nucleotide position 1354. The histidine at codon 452 is replaced by tyrosine, an amino acid with similar properties. This amino acid position is conserved. In addition, this alteration is predicted to be tolerated by in silico analysis. Based on the available evidence, the clinical significance of this variant remains unclear.

NM_000136.3(FANCC):c.1354C>T (p.His452Tyr)

Genes: AOPEP (aminopeptidase O (putative); plus strand), FANCC (FA complementation group C; minus strand). Cytogenetic location: 9q22.32.
Variant type: single nucleotide variant.
Coding change: c.1354C>T on transcript NM_000136.3 (MANE Select); coding-DNA position 1354, C replaced by T.
Protein change: p.His452Tyr; replaces histidine 452 with tyrosine.
Molecular consequence: missense variant.
Genome position (GRCh38, 1-based): chr9:95,107,245, G>A on the plus strand (C>T on the coding strand, the complement: FANCC is on the minus strand). VCF-style: chr9-95107245-G-A. GRCh37 (hg19) VCF-style: chr9-97869527-G-A.
Other names: c.1354C>T, p.His452Tyr (NM_001243743.2); short protein forms H452Y.
Identifiers: ClinVar variation 4022439 (VCV004022439.1).
Genomic context (GRCh38, chr9:95,107,245, plus strand): 5'-CTGCTACCGTCTGCAGGTCCTGGGCTGAGAGGCTGCTGCTTCTGGACATTGCCAGGAGGT[G>A]GCCCAGCACGGCCTTCACCTGGACCTGGGCAATAGTATTTCACAGGGGAGAGGTTAGGAA-3'
Protein context (NP_000127.2, residues 442-462): TMVQVKAVLG[His452Tyr]LLAMSRSSSL